The following is an entry in ClinVar:

NM_000069.3(CACNA1S):c.1507G>A (p.Val503Met)

Gene: CACNA1S (calcium voltage-gated channel subunit alpha1 S; minus strand). Cytogenetic location: 1q32.1.
Variant type: single nucleotide variant.
Coding change: c.1507G>A on transcript NM_000069.3 (MANE Select); coding-DNA position 1507, G replaced by A.
Protein change: p.Val503Met; replaces valine 503 with methionine.
Molecular consequence: missense variant.
Genome position (GRCh38, 1-based): chr1:201,077,991, C>T on the plus strand (G>A on the coding strand, the complement: CACNA1S is on the minus strand). VCF-style: chr1-201077991-C-T. GRCh37 (hg19) VCF-style: chr1-201047119-C-T.
Other names: short protein forms V503M.
Identifiers: ClinVar variation 965585 (VCV000965585.18), dbSNP rs140246559, ClinGen allele CA078278.

ClinVar aggregate classification (germline): Conflicting classifications of pathogenicity. Review status: criteria provided, conflicting classifications (1 of 4 stars). 10 submissions from 7 submitters: Uncertain significance (9); Likely benign (1). Last evaluated 2025-12-13.

Conditions:
Thyrotoxic periodic paralysis, susceptibility to, 1 (TTPP1). Identifiers: Orphanet 79102, MedGen C2749982, MONDO:0008570, OMIM 188580.
Congenital myopathy 18. Also called: DIHYDROPYRIDINE RECEPTOR CONGENITAL MYOPATHY; DHPR CONGENITAL MYOPATHY; Myopathy, congenital, due to dihydropyridine receptor defect. Identifiers: MedGen C5830283, MONDO:0859514, OMIM 620246.
Hypokalemic periodic paralysis, type 1. Also called: HypoPP; Hypokalemic Periodic Paralysis Type 1 (AD). Identifiers: Orphanet 681, MedGen C3714580, MONDO:0042979, OMIM 170400.
Malignant hyperthermia, susceptibility to, 5 (MHS5). Also called: CACNA1S-Related Malignant Hyperthermia Susceptibility. Identifiers: Orphanet 423, MedGen C1866077, MONDO:0011163, OMIM 601887.

Allele frequency attached by ClinVar (database versions not stated): gnomAD 0.00001; ExAC 0.00002; TOPMed 0.00002; gnomAD exomes 0.00003; ESP Exome Variant Server 0.00008.
gnomAD v4.1: 51 of 1,614,020 alleles (0.0032%); highest among the groups gnomAD compares: Admixed American, 0.005%; no homozygotes.

Submissions (10):

Labcorp Genetics (formerly Invitae), Labcorp
Classification: Likely benign for Hypokalemic periodic paralysis, type 1; Malignant hyperthermia, susceptibility to, 5. Last evaluated: 2025-12-13. Review status: criteria provided, single submitter. Criteria: Invitae Variant Classification Sherloc (09022015). Collection method: clinical testing. Allele origin: germline.

GeneDx
Classification: Uncertain significance. Last evaluated: 2025-07-29. Review status: criteria provided, single submitter. Criteria: GeneDx Variant Classification Process June 2021. Collection method: clinical testing. Allele origin: germline.
Comment: In silico analysis supports that this missense variant has a deleterious effect on protein structure/function; Has not been previously published as pathogenic or benign to our knowledge

Color Diagnostics, LLC DBA Color Health
Classification: Uncertain significance for Malignant hyperthermia, susceptibility to, 5. Last evaluated: 2025-05-21. Review status: criteria provided, single submitter. Criteria: ACMG Guidelines, 2015. Collection method: clinical testing. Allele origin: germline.
Comment: This missense variant replaces valine with methionine at codon 503 of the CACNA1S protein. Computational prediction suggests that this variant may have deleterious impact on protein structure and function. To our knowledge, functional studies have not been reported for this variant. This variant has not been reported in individuals affected with CACNA1S-related disorders in the literature. This variant has been identified in 7/251482 chromosomes in the general population by the Genome Aggregation Database (gnomAD). The available evidence is insufficient to determine the role of this variant in disease conclusively. Therefore, this variant is classified as a Variant of Uncertain Significance.

Blueprint Genetics
Classification: Uncertain significance. Last evaluated: 2024-08-16. Review status: criteria provided, single submitter. Criteria: ACMG Guidelines, 2015. Collection method: clinical testing. Allele origin: germline.

All of Us Research Program, National Institutes of Health
Classification: Uncertain significance for Malignant hyperthermia, susceptibility to, 5. Last evaluated: 2024-08-06. Review status: criteria provided, single submitter. Criteria: ACMG Guidelines, 2015. Collection method: clinical testing. Allele origin: germline. Inheritance: Autosomal dominant inheritance. Observed: 7 variant alleles, 7 heterozygotes.
Comment: This missense variant replaces valine with methionine at codon 503 of the CACNA1S protein. Computational prediction suggests that this variant may have deleterious impact on protein structure and function (internally defined REVEL score threshold >= 0.7, PMID: 27666373). To our knowledge, functional studies have not been reported for this variant. This variant has not been reported in individuals affected with CACNA1S-related disorders in the literature. This variant has been identified in 7/251482 chromosomes in the general population by the Genome Aggregation Database (gnomAD). The available evidence is insufficient to determine the role of this variant in disease conclusively. Therefore, this variant is classified as a Variant of Uncertain Significance.

This study involves interpretation of variants in research participants for the purpose of population health screening. Participant phenotype was not available at the time of variant classification. Additional details can be found in publication PMID: 35346344, PMCID: PMC8962531

Fulgent Genetics
Classification: Uncertain significance for Hypokalemic periodic paralysis, type 1; Thyrotoxic periodic paralysis, susceptibility to, 1; Malignant hyperthermia, susceptibility to, 5; Congenital myopathy 18. Last evaluated: 2024-05-09. Review status: criteria provided, single submitter. Criteria: ACMG Guidelines, 2015. Collection method: clinical testing. Allele origin: germline.

Genome-Nilou Lab
Classification: Uncertain significance for Malignant hyperthermia, susceptibility to, 5. Last evaluated: 2023-04-11. Review status: criteria provided, single submitter. Criteria: ACMG Guidelines, 2015. Collection method: clinical testing. Allele origin: germline. Affected: no.

Genome-Nilou Lab
Classification: Uncertain significance for Thyrotoxic periodic paralysis, susceptibility to, 1. Last evaluated: 2023-04-11. Review status: criteria provided, single submitter. Criteria: ACMG Guidelines, 2015. Collection method: clinical testing. Allele origin: germline. Affected: no.

Genome-Nilou Lab
Classification: Uncertain significance for Congenital myopathy 18. Last evaluated: 2023-04-11. Review status: criteria provided, single submitter. Criteria: ACMG Guidelines, 2015. Collection method: clinical testing. Allele origin: germline. Affected: no.

Genome-Nilou Lab
Classification: Uncertain significance for Hypokalemic periodic paralysis, type 1. Last evaluated: 2023-04-11. Review status: criteria provided, single submitter. Criteria: ACMG Guidelines, 2015. Collection method: clinical testing. Allele origin: germline. Affected: no.